The following is an entry in ClinVar:

ClinVar aggregate classification (germline): Uncertain significance (1 of 4 stars; one submission).

Conditions:
Familial thoracic aortic aneurysm and aortic dissection (TAAD). Also called: Thoracic aortic aneurysms and dissections. Identifiers: Orphanet 91387, MedGen C4707243, MONDO:0019625.
Marfan syndrome (MFS). Also called: MARFAN SYNDROME, TYPE I; Marfan syndrome type 1; Marfan's syndrome; Marfan syndrome, classic; FBN1-Related Marfan Syndrome. Identifiers: Orphanet 284963, Orphanet 558, MedGen C0024796, MONDO:0007947, OMIM 154700.

Allele frequency attached by ClinVar (database versions not stated): TOPMed 0.00001.
gnomAD v4.1: 1 of 1,613,928 alleles (0.000062%); no homozygotes.

Submission:

Labcorp Genetics (formerly Invitae), Labcorp
Classification: Uncertain significance for Marfan syndrome; Familial thoracic aortic aneurysm and aortic dissection. Last evaluated: 2024-02-06. Review status: criteria provided, single submitter. Criteria: Invitae Variant Classification Sherloc (09022015). Collection method: clinical testing. Allele origin: germline.
Comment: This sequence change replaces phenylalanine, which is neutral and non-polar, with isoleucine, which is neutral and non-polar, at codon 1789 of the FBN1 protein (p.Phe1789Ile). This variant is not present in population databases (gnomAD no frequency). This variant has not been reported in the literature in individuals affected with FBN1-related conditions. ClinVar contains an entry for this variant (Variation ID: 2173266). Advanced modeling of protein sequence and biophysical properties (such as structural, functional, and spatial information, amino acid conservation, physicochemical variation, residue mobility, and thermodynamic stability) performed at Invitae indicates that this missense variant is expected to disrupt FBN1 protein function with a positive predictive value of 95%. In summary, the available evidence is currently insufficient to determine the role of this variant in disease. Therefore, it has been classified as a Variant of Uncertain Significance.

NM_000138.5(FBN1):c.5365T>A (p.Phe1789Ile)

Gene: FBN1 (fibrillin 1; minus strand). Cytogenetic location: 15q21.1.
Variant type: single nucleotide variant.
Coding change: c.5365T>A on transcript NM_000138.5 (MANE Select); coding-DNA position 5365, T replaced by A.
Protein change: p.Phe1789Ile; replaces phenylalanine 1789 with isoleucine.
Molecular consequence: missense variant.
Genome position (GRCh38, 1-based): chr15:48,456,694, A>T on the plus strand (T>A on the coding strand, the complement: FBN1 is on the minus strand). VCF-style: chr15-48456694-A-T. GRCh37 (hg19) VCF-style: chr15-48748891-A-T.
Other names: c.5365T>A, p.Phe1789Ile (NM_001406716.1); short protein forms F1789I.
Identifiers: ClinVar variation 2173266 (VCV002173266.4), dbSNP rs2043240763, ClinGen allele CA392346057.
Genomic context (GRCh38, chr15:48,456,694, plus strand): 5'-TACCTTCACAAACCAACAACTTGTCATTATAGAAGAATCCCACTGGACATTCACATCGGA[A>T]GCTGCCAACCATGTTGATACACACTCCATTTTCACAGACCCCTGGGATCTCCCGGCACTC-3'
Protein context (NP_000129.3, residues 1779-1799): NGVCINMVGS[Phe1789Ile]RCECPVGFFY